The following is an entry in ClinVar:

NC_000001.10:g.(?_74701136)_(74819833_?)del

Genes: FPGT-TNNI3K (FPGT-TNNI3K readthrough; plus strand), TNNI3K (TNNI3 interacting kinase; plus strand). Cytogenetic location: 1p31.1.
Variant type: Deletion.
Identifiers: ClinVar variation 1412002 (VCV001412002.4).

ClinVar aggregate classification (germline): Uncertain significance (1 of 4 stars; one submission).

Submission:

Labcorp Genetics (formerly Invitae), Labcorp
Classification: Uncertain significance. Last evaluated: 2021-12-03. Review status: criteria provided, single submitter. Criteria: Invitae Variant Classification Sherloc (09022015). Collection method: clinical testing. Allele origin: germline.
Comment: In summary, the available evidence is currently insufficient to determine the role of this variant in disease. Therefore, it has been classified as a Variant of Uncertain Significance. This variant has not been reported in the literature in individuals affected with TNNI3K-related conditions. This variant is a gross deletion of the genomic region encompassing exon(s) 1-11 of the TNNI3K gene, which includes the initiator codon. This deletion extends beyond the assayed region for this gene and therefore may encompass additional genes. It is expected to result in an absent or disrupted protein product. However, the current clinical and genetic evidence is not sufficient to establish whether loss-of-function variants in TNNI3K cause disease.